The following is an entry in ClinVar:

ClinVar aggregate classification (germline): Uncertain significance (1 of 4 stars; one submission).

Conditions:
Inborn genetic diseases. Identifiers: MedGen C0950123, MeSH D030342.

gnomAD v4.1: 1 of 1,614,002 alleles (0.000062%); highest among the groups gnomAD compares: Non-Finnish European, 0.000085%; no homozygotes.

Submission:

Ambry Genetics
Classification: Uncertain significance for Inborn genetic diseases. Last evaluated: 2024-12-07. Review status: criteria provided, single submitter. Criteria: Ambry Variant Classification Scheme 2023. Collection method: clinical testing. Allele origin: germline.
Comment: The p.P532L variant (also known as c.1595C>T), located in coding exon 7 of the SH2B3 gene, results from a C to T substitution at nucleotide position 1595. The proline at codon 532 is replaced by leucine, an amino acid with similar properties. This amino acid position is conserved. In addition, the in silico prediction for this alteration is inconclusive. Based on the available evidence, the clinical significance of this variant remains unclear.

NM_005475.3(SH2B3):c.1595C>T (p.Pro532Leu)

Gene: SH2B3 (SH2B adaptor protein 3; plus strand). Cytogenetic location: 12q24.12.
Variant type: single nucleotide variant.
Coding change: c.1595C>T on transcript NM_005475.3 (MANE Select); coding-DNA position 1595, C replaced by T.
Protein change: p.Pro532Leu; replaces proline 532 with leucine.
Molecular consequence: missense variant.
Genome position (GRCh38, 1-based): chr12:111,448,169, C>T. VCF-style: chr12-111448169-C-T. GRCh37 (hg19) VCF-style: chr12-111885973-C-T.
Other names: c.989C>T, p.Pro330Leu (NM_001291424.1); short protein forms P532L, P330L.
Identifiers: ClinVar variation 3440841 (VCV003440841.1).